The following is an entry in ClinVar:

ClinVar aggregate classification (germline): Uncertain significance (1 of 4 stars; one submission).

Conditions:
Hereditary cancer-predisposing syndrome. Also called: Hereditary neoplastic syndrome; Neoplastic Syndromes, Hereditary; Hereditary Cancer Syndrome; Tumor predisposition. Identifiers: Orphanet 140162, MedGen C0027672, MeSH D009386, MONDO:0015356.

Submission:

Labcorp Genetics (formerly Invitae), Labcorp
Classification: Uncertain significance for Hereditary cancer-predisposing syndrome. Last evaluated: 2023-10-14. Review status: criteria provided, single submitter. Criteria: Invitae Variant Classification Sherloc (09022015). Collection method: clinical testing. Allele origin: germline.
Comment: This sequence change replaces histidine, which is basic and polar, with aspartic acid, which is acidic and polar, at codon 360 of the RAD50 protein (p.His360Asp). This variant is not present in population databases (gnomAD no frequency). This variant has not been reported in the literature in individuals affected with RAD50-related conditions. Advanced modeling of protein sequence and biophysical properties (such as structural, functional, and spatial information, amino acid conservation, physicochemical variation, residue mobility, and thermodynamic stability) performed at Invitae indicates that this missense variant is expected to disrupt RAD50 protein function. In summary, the available evidence is currently insufficient to determine the role of this variant in disease. Therefore, it has been classified as a Variant of Uncertain Significance.

NM_005732.4(RAD50):c.1078C>G (p.His360Asp)

Gene: RAD50 (RAD50 double strand break repair protein; plus strand). Cytogenetic location: 5q31.1.
Variant type: single nucleotide variant.
Coding change: c.1078C>G on transcript NM_005732.4 (MANE Select); coding-DNA position 1078, C replaced by G.
Protein change: p.His360Asp; replaces histidine 360 with aspartic acid.
Molecular consequence: missense variant.
Genome position (GRCh38, 1-based): chr5:132,588,713, C>G. VCF-style: chr5-132588713-C-G. GRCh37 (hg19) VCF-style: chr5-131924405-C-G.
Other names: short protein forms H360D.
Identifiers: ClinVar variation 2768184 (VCV002768184.3), dbSNP rs2479634362, ClinGen allele CA360942126.